The following is an entry in ClinVar:

ClinVar aggregate classification (germline): Uncertain significance (1 of 4 stars; one submission).

Conditions:
Hereditary cancer-predisposing syndrome. Also called: Tumor predisposition; Neoplastic Syndromes, Hereditary; Hereditary neoplastic syndrome; Hereditary Cancer Syndrome. Identifiers: Orphanet 140162, MedGen C0027672, MeSH D009386, MONDO:0015356.

Submission:

Ambry Genetics
Classification: Uncertain significance for Hereditary cancer-predisposing syndrome. Last evaluated: 2024-10-13. Review status: criteria provided, single submitter. Criteria: Ambry Variant Classification Scheme 2023. Collection method: clinical testing. Allele origin: germline.
Comment: The p.L315V variant (also known as c.943T>G), located in coding exon 7 of the ATM gene, results from a T to G substitution at nucleotide position 943. The leucine at codon 315 is replaced by valine, an amino acid with highly similar properties. This amino acid position is conserved. In addition, this alteration is predicted to be tolerated by in silico analysis. Based on the available evidence, the clinical significance of this variant remains unclear.

NM_000051.4(ATM):c.943T>G (p.Leu315Val)

Gene: ATM (ATM serine/threonine kinase; plus strand). Cytogenetic location: 11q22.3.
Variant type: single nucleotide variant.
Coding change: c.943T>G on transcript NM_000051.4 (MANE Select); coding-DNA position 943, T replaced by G.
Protein change: p.Leu315Val; replaces leucine 315 with valine.
Molecular consequence: missense variant.
Genome position (GRCh38, 1-based): chr11:108,247,005, T>G. VCF-style: chr11-108247005-T-G. GRCh37 (hg19) VCF-style: chr11-108117732-T-G.
Other names: c.943T>G, p.Leu315Val (NM_001351834.2); short protein forms L315V.
Identifiers: ClinVar variation 3451899 (VCV003451899.1).